The following is an entry in ClinVar:

ClinVar aggregate classification (germline): Uncertain significance. Review status: criteria provided, multiple submitters, no conflicts (2 of 4 stars). 2 submissions from 2 submitters: Uncertain significance (2). Last evaluated 2024-02-20.

Conditions:
Inborn genetic diseases. Identifiers: MedGen C0950123, MeSH D030342.

Allele frequency attached by ClinVar (database versions not stated): gnomAD 0.00002; TOPMed 0.00003.
gnomAD v4.1: 69 of 1,607,160 alleles (0.0043%); highest among the groups gnomAD compares: Non-Finnish European, 0.0057%; no homozygotes.

Submissions (2):

Labcorp Genetics (formerly Invitae), Labcorp
Classification: Uncertain significance. Last evaluated: 2024-02-20. Review status: criteria provided, single submitter. Criteria: Invitae Variant Classification Sherloc (09022015). Collection method: clinical testing. Allele origin: germline.
Comment: This sequence change replaces tyrosine, which is neutral and polar, with serine, which is neutral and polar, at codon 867 of the SI protein (p.Tyr867Ser). This variant is present in population databases (no rsID available, gnomAD 0.003%). This variant has not been reported in the literature in individuals affected with SI-related conditions. ClinVar contains an entry for this variant (Variation ID: 1471165). Advanced modeling of protein sequence and biophysical properties (such as structural, functional, and spatial information, amino acid conservation, physicochemical variation, residue mobility, and thermodynamic stability) has been performed at Invitae for this missense variant, however the output from this modeling did not meet the statistical confidence thresholds required to predict the impact of this variant on SI protein function. In summary, the available evidence is currently insufficient to determine the role of this variant in disease. Therefore, it has been classified as a Variant of Uncertain Significance.

Ambry Genetics
Classification: Uncertain significance for Inborn genetic diseases. Last evaluated: 2021-09-01. Review status: criteria provided, single submitter. Criteria: Ambry Variant Classification Scheme 2023. Collection method: clinical testing. Allele origin: germline.

NM_001041.4(SI):c.2600A>C (p.Tyr867Ser)

Gene: SI (sucrase-isomaltase; minus strand). Cytogenetic location: 3q26.1.
Variant type: single nucleotide variant.
Coding change: c.2600A>C on transcript NM_001041.4 (MANE Select); coding-DNA position 2600, A replaced by C.
Protein change: p.Tyr867Ser; replaces tyrosine 867 with serine.
Molecular consequence: missense variant.
Genome position (GRCh38, 1-based): chr3:165,032,658, T>G on the plus strand (A>C on the coding strand, the complement: SI is on the minus strand). VCF-style: chr3-165032658-T-G. GRCh37 (hg19) VCF-style: chr3-164750446-T-G.
Other names: c.2600A>C (NM_001041.3); short protein forms Y867S.
Identifiers: ClinVar variation 1471165 (VCV001471165.6), dbSNP rs760055757, ClinGen allele CA86528135.
Genomic context (GRCh38, chr3:165,032,658, plus strand): 5'-ACACTGTCTGTCAACCCAAGGATTTTTACAGTCTGAAATGCTAAGGTAGTTCCTTCCTGA[T>G]ATGATGAATGTGTGCACACAATATCTAATGTGTTCTGAGAAAAATAGTATAAGATATTAT-3'
Protein context (NP_001032.2, residues 857-877): TLDIVCTHSS[Tyr867Ser]QEGTTLAFQT